The following is an entry in ClinVar:

NM_003151.4(STAT4):c.1475G>A (p.Ser492Asn)

Gene: STAT4 (signal transducer and activator of transcription 4; minus strand). Cytogenetic location: 2q32.2.
Variant type: single nucleotide variant.
Coding change: c.1475G>A on transcript NM_003151.4 (MANE Select); coding-DNA position 1475, G replaced by A.
Protein change: p.Ser492Asn; replaces serine 492 with asparagine.
Molecular consequence: missense variant.
Genome position (GRCh38, 1-based): chr2:191,036,259, C>T on the plus strand (G>A on the coding strand, the complement: STAT4 is on the minus strand). VCF-style: chr2-191036259-C-T. GRCh37 (hg19) VCF-style: chr2-191900985-C-T.
Other names: c.1475G>A, p.Ser492Asn (NM_001243835.2); short protein forms S492N.
Identifiers: ClinVar variation 3655132 (VCV003655132.2).

ClinVar aggregate classification (germline): Uncertain significance (1 of 4 stars; one submission).

gnomAD v4.1: 2 of 1,613,994 alleles (0.00012%); highest among the groups gnomAD compares: African/African-American, 0.0027%; no homozygotes.

Submission:

Labcorp Genetics (formerly Invitae), Labcorp
Classification: Uncertain significance. Last evaluated: 2024-05-31. Review status: criteria provided, single submitter. Criteria: Invitae Variant Classification Sherloc (09022015). Collection method: clinical testing. Allele origin: germline.
Comment: This sequence change replaces serine, which is neutral and polar, with asparagine, which is neutral and polar, at codon 492 of the STAT4 protein (p.Ser492Asn). This variant is present in population databases (no rsID available, gnomAD 0.01%). This variant has not been reported in the literature in individuals affected with STAT4-related conditions. Advanced modeling of protein sequence and biophysical properties (such as structural, functional, and spatial information, amino acid conservation, physicochemical variation, residue mobility, and thermodynamic stability) performed at Invitae indicates that this missense variant is not expected to disrupt STAT4 protein function with a negative predictive value of 80%. In summary, the available evidence is currently insufficient to determine the role of this variant in disease. Therefore, it has been classified as a Variant of Uncertain Significance.